The following is an entry in ClinVar:

NM_005585.5(SMAD6):c.272G>T (p.Arg91Met)

Gene: SMAD6 (SMAD family member 6; plus strand). Cytogenetic location: 15q22.31.
Variant type: single nucleotide variant.
Coding change: c.272G>T on transcript NM_005585.5 (MANE Select); coding-DNA position 272, G replaced by T.
Protein change: p.Arg91Met; replaces arginine 91 with methionine.
Molecular consequence: missense variant. On other transcripts: non-coding transcript variant (1).
Genome position (GRCh38, 1-based): chr15:66,703,530, G>T. VCF-style: chr15-66703530-G-T. GRCh37 (hg19) VCF-style: chr15-66995868-G-T.
Other names: short protein forms R91M.
Identifiers: ClinVar variation 2905786 (VCV002905786.4), dbSNP rs1595756734, ClinGen allele CA392949124.
Genomic context (GRCh38, chr15:66,703,530, plus strand): 5'-CAGTGGGACAGCGAGGCGCCCAGGGCGCGGGGAGGCGCCGGCGCGCAGGGGGCCCCCCGA[G>T]GCCCATGTCGGAGCCAGGGGCCGGCGCTGGGAGCTCCCTGCTGGACGTGGCGGAGCCGGG-3'
Protein context (NP_005576.3, residues 81-101): GRRRRAGGPP[Arg91Met]PMSEPGAGAG

ClinVar aggregate classification (germline): Uncertain significance. Review status: criteria provided, multiple submitters, no conflicts (2 of 4 stars). 2 submissions from 2 submitters: Uncertain significance (2). Last evaluated 2023-02-03.

Conditions:
Aortic valve disease 2 (AOVD2). Identifiers: MedGen C3542024, MONDO:0013902, OMIM 614823.

Submissions (2):

Blueprint Genetics
Classification: Uncertain significance. Last evaluated: 2023-02-03. Review status: criteria provided, single submitter. Criteria: ACMG Guidelines, 2015. Collection method: clinical testing. Allele origin: germline.

Labcorp Genetics (formerly Invitae), Labcorp
Classification: Uncertain significance for Aortic valve disease 2. Last evaluated: 2022-10-28. Review status: criteria provided, single submitter. Criteria: Invitae Variant Classification Sherloc (09022015). Collection method: clinical testing. Allele origin: germline.
Comment: In summary, the available evidence is currently insufficient to determine the role of this variant in disease. Therefore, it has been classified as a Variant of Uncertain Significance. Algorithms developed to predict the effect of missense changes on protein structure and function (SIFT, PolyPhen-2, Align-GVGD) all suggest that this variant is likely to be tolerated. This variant has not been reported in the literature in individuals affected with SMAD6-related conditions. This variant is not present in population databases (gnomAD no frequency). This sequence change replaces arginine, which is basic and polar, with methionine, which is neutral and non-polar, at codon 91 of the SMAD6 protein (p.Arg91Met).